The following is an entry in ClinVar:

NM_001080414.4(CCDC88C):c.3052C>T (p.Gln1018Ter)

Gene: CCDC88C (coiled-coil and HOOK domain protein 88C; minus strand). Cytogenetic location: 14q32.11.
Variant type: single nucleotide variant.
Coding change: c.3052C>T on transcript NM_001080414.4 (MANE Select); coding-DNA position 3052, C replaced by T.
Protein change: p.Gln1018Ter; replaces glutamine 1018 with a stop codon.
Molecular consequence: nonsense. On other transcripts: non-coding transcript variant (2).
Genome position (GRCh38, 1-based): chr14:91,307,181, G>A on the plus strand (C>T on the coding strand, the complement: CCDC88C is on the minus strand). VCF-style: chr14-91307181-G-A. GRCh37 (hg19) VCF-style: chr14-91773525-G-A.
Other names: short protein forms Q1018*.
Identifiers: ClinVar variation 5014184 (VCV005014184.1).

ClinVar aggregate classification (germline): Pathogenic (1 of 4 stars; one submission).

Conditions:
Hydrocephalus, nonsyndromic, autosomal recessive 1 (HYC1). Also called: Hydrocephalus, nonsyndromic, autosomal recessive; Congenital hydrocephalus 1. Identifiers: Orphanet 2185, MedGen C3887608, MONDO:0009360, OMIM 236600.

Submission:

Myriad Genetics, Inc.
Classification: Pathogenic for Hydrocephalus, nonsyndromic, autosomal recessive 1. Last evaluated: 2025-03-07. Review status: criteria provided, single submitter. Criteria: Myriad Autosomal Dominant, Autosomal Recessive and X-Linked Classification Criteria (2023). Collection method: clinical testing. Allele origin: unknown.
Comment: NM_001080414.3(CCDC88C):c.3052C>T(Q1018*) is expected to be pathogenic in the context of congenital hydrocephalus, CCDC88C-related. This variant is predicted to lead to an abnormal or absent protein product due to the creation of a premature termination codon in CCDC88C, a gene where loss-of-function variants are known to be pathogenic. Please note: this variant was assessed in the context of healthy population screening.